The following is an entry in ClinVar:

NM_000540.3(RYR1):c.7897C>G (p.Leu2633Val)

Gene: RYR1 (ryanodine receptor 1; plus strand). Cytogenetic location: 19q13.2.
Variant type: single nucleotide variant.
Coding change: c.7897C>G on transcript NM_000540.3 (MANE Select); coding-DNA position 7897, C replaced by G.
Protein change: p.Leu2633Val; replaces leucine 2633 with valine.
Molecular consequence: missense variant.
Genome position (GRCh38, 1-based): chr19:38,502,941, C>G. VCF-style: chr19-38502941-C-G. GRCh37 (hg19) VCF-style: chr19-38993581-C-G.
Other names: c.7897C>G, p.Leu2633Val (NM_001042723.2); short protein forms L2633V.
Identifiers: ClinVar variation 567003 (VCV000567003.10), dbSNP rs757228479, ClinGen allele CA071011.

ClinVar aggregate classification (germline): Uncertain significance. Review status: criteria provided, multiple submitters, no conflicts (2 of 4 stars). 3 submissions from 3 submitters: Uncertain significance (3). Last evaluated 2023-04-27.

Conditions:
Central core myopathy (CMYO1A). Also called: CONGENITAL MYOPATHY 1A, AUTOSOMAL DOMINANT, WITH SUSCEPTIBILITY TO MALIGNANT HYPERTHERMIA; Central core disease; Myopathy, central fibrillar. Identifiers: Orphanet 597, MedGen C5830701, MONDO:0007294, OMIM 117000.
Congenital myopathy with fiber type disproportion. Also called: Congenital fiber-type disproportion myopathy; Congenital fiber-type disproportion. Identifiers: Orphanet 2020, MedGen C0546264, MONDO:0009711. Inheritance: all.
King Denborough syndrome (KDS). Identifiers: MedGen C1840365, MONDO:0020485, OMIM 619542.
Malignant hyperthermia, susceptibility to, 1 (MHS1). Also called: RYR1-Related Malignant Hyperthermia Susceptibility; Anesthesia related hyperthermia; Malignant hyperpyrexia; Fulminating hyperpyrexia; Pharmacogenic myopathy; Malignant hyperthermia suceptibility 1. Identifiers: Orphanet 423, MedGen C2930980, MONDO:0007783, OMIM 145600.
Congenital multicore myopathy with external ophthalmoplegia (CMYO1B). Also called: Congenital myopathy 1B, autosomal recessive; Minicore myopathy; MULTIMINICORE DISEASE WITH EXTERNAL OPHTHALMOPLEGIA; Minicore myopathy with external ophthalmoplegia; MULTICORE MYOPATHY. Identifiers: Orphanet 598, Orphanet 98905, MedGen C1850674, MONDO:0009712, OMIM 255320, HP:0003789.
RYR1-related disorder. Also called: RYR1-related condition; RYR1-related disorders. Identifiers: MedGen CN239331.

Allele frequency attached by ClinVar (database versions not stated): ExAC 0.00001; gnomAD exomes 0.00001 and 0.00002.
gnomAD v4.1: 4 of 1,611,090 alleles (0.00025%); highest among the groups gnomAD compares: Admixed American, 0.0067%; no homozygotes.

Submissions (3):

All of Us Research Program, National Institutes of Health
Classification: Uncertain significance for Malignant hyperthermia, susceptibility to, 1. Last evaluated: 2023-04-27. Review status: criteria provided, single submitter. Criteria: ACMG Guidelines, 2015. Collection method: clinical testing. Allele origin: germline. Inheritance: Autosomal dominant inheritance. Observed: 1 variant allele, 1 heterozygote.
Comment: This study involves interpretation of variants in research participants for the purpose of population health screening. Participant phenotype was not available at the time of variant classification. Additional details can be found in publication PMID: 35346344, PMCID: PMC8962531

Labcorp Genetics (formerly Invitae), Labcorp
Classification: Uncertain significance for RYR1-related disorder. Last evaluated: 2022-06-10. Review status: criteria provided, single submitter. Criteria: Invitae Variant Classification Sherloc (09022015). Collection method: clinical testing. Allele origin: germline.
Comment: This sequence change replaces leucine, which is neutral and non-polar, with valine, which is neutral and non-polar, at codon 2633 of the RYR1 protein (p.Leu2633Val). This variant is present in population databases (rs757228479, gnomAD 0.01%). This variant has not been reported in the literature in individuals affected with RYR1-related conditions. ClinVar contains an entry for this variant (Variation ID: 567003). Advanced modeling of protein sequence and biophysical properties (such as structural, functional, and spatial information, amino acid conservation, physicochemical variation, residue mobility, and thermodynamic stability) performed at Invitae indicates that this missense variant is expected to disrupt RYR1 protein function. In summary, the available evidence is currently insufficient to determine the role of this variant in disease. Therefore, it has been classified as a Variant of Uncertain Significance.

Fulgent Genetics
Classification: Uncertain significance for Central core myopathy; Malignant hyperthermia, susceptibility to, 1; Congenital myopathy 4A, autosomal dominant; Congenital multicore myopathy with external ophthalmoplegia; King Denborough syndrome. Last evaluated: 2021-07-26. Review status: criteria provided, single submitter. Criteria: ACMG Guidelines, 2015. Collection method: clinical testing. Allele origin: unknown.